The following is an entry in ClinVar:

ClinVar aggregate classification (germline): Uncertain significance (1 of 4 stars; one submission).

Conditions:
Hypertrophic cardiomyopathy. Also called: HYPERTROPHIC MYOCARDIOPATHY. Identifiers: Orphanet 217569, MedGen C0007194, MeSH D002312, MONDO:0005045, HP:0001639.

Submission:

Labcorp Genetics (formerly Invitae), Labcorp
Classification: Uncertain significance for Hypertrophic cardiomyopathy. Last evaluated: 2021-04-22. Review status: criteria provided, single submitter. Criteria: Invitae Variant Classification Sherloc (09022015). Collection method: clinical testing. Allele origin: germline.
Comment: Algorithms developed to predict the effect of missense changes on protein structure and function are either unavailable or do not agree on the potential impact of this missense change (SIFT: "Tolerated"; PolyPhen-2: "Possibly Damaging"; Align-GVGD: "Class C0"). In summary, the available evidence is currently insufficient to determine the role of this variant in disease. Therefore, it has been classified as a Variant of Uncertain Significance. This variant has not been reported in the literature in individuals with MYOM1-related conditions. This variant is not present in population databases (ExAC no frequency). This sequence change replaces valine with phenylalanine at codon 1144 of the MYOM1 protein (p.Val1144Phe). The valine residue is moderately conserved and there is a small physicochemical difference between valine and phenylalanine.

NM_003803.4(MYOM1):c.3430G>T (p.Val1144Phe)

Gene: MYOM1 (myomesin 1; minus strand). Cytogenetic location: 18p11.31.
Variant type: single nucleotide variant.
Coding change: c.3430G>T on transcript NM_003803.4 (MANE Select); coding-DNA position 3430, G replaced by T.
Protein change: p.Val1144Phe; replaces valine 1144 with phenylalanine.
Molecular consequence: missense variant.
Genome position (GRCh38, 1-based): chr18:3,102,619, C>A on the plus strand (G>T on the coding strand, the complement: MYOM1 is on the minus strand). VCF-style: chr18-3102619-C-A. GRCh37 (hg19) VCF-style: chr18-3102617-C-A.
Other names: c.3142G>T, p.Val1048Phe (NM_019856.2); short protein forms V1144F, V1048F.
Identifiers: ClinVar variation 1347510 (VCV001347510.8), dbSNP rs1567906657, ClinGen allele CA401703474.